The following is an entry in ClinVar:

ClinVar aggregate classification (germline): Uncertain significance (1 of 4 stars; one submission).

Conditions:
Colorectal cancer, hereditary nonpolyposis, type 7. Identifiers: Orphanet 144, MedGen C1858380, MONDO:0013725, OMIM 614385.

Submission:

Labcorp Genetics (formerly Invitae), Labcorp
Classification: Uncertain significance for Colorectal cancer, hereditary nonpolyposis, type 7. Last evaluated: 2021-11-17. Review status: criteria provided, single submitter. Criteria: Invitae Variant Classification Sherloc (09022015). Collection method: clinical testing. Allele origin: germline.
Comment: This variant is not present in population databases (gnomAD no frequency). This sequence change replaces serine, which is neutral and polar, with threonine, which is neutral and polar, at codon 909 of the MLH3 protein (p.Ser909Thr). In summary, the available evidence is currently insufficient to determine the role of this variant in disease. Therefore, it has been classified as a Variant of Uncertain Significance. This variant has not been reported in the literature in individuals affected with MLH3-related conditions. Algorithms developed to predict the effect of missense changes on protein structure and function (SIFT, PolyPhen-2, Align-GVGD) all suggest that this variant is likely to be tolerated.

NM_001040108.2(MLH3):c.2726G>C (p.Ser909Thr)

Gene: MLH3 (mutL homolog 3; minus strand). Cytogenetic location: 14q24.3.
Variant type: single nucleotide variant.
Coding change: c.2726G>C on transcript NM_001040108.2 (MANE Select); coding-DNA position 2726, G replaced by C.
Protein change: p.Ser909Thr; replaces serine 909 with threonine.
Molecular consequence: missense variant.
Genome position (GRCh38, 1-based): chr14:75,046,930, C>G on the plus strand (G>C on the coding strand, the complement: MLH3 is on the minus strand). VCF-style: chr14-75046930-C-G. GRCh37 (hg19) VCF-style: chr14-75513633-C-G.
Other names: c.2726G>C, p.Ser909Thr (NM_014381.3); short protein forms S909T.
Identifiers: ClinVar variation 1352091 (VCV001352091.6), dbSNP rs1349770908, ClinGen allele CA390438848.